The following is an entry in ClinVar:

ClinVar aggregate classification (germline): Uncertain significance (1 of 4 stars; one submission).

Allele frequency attached by ClinVar (database versions not stated): gnomAD 0.00011; TOPMed 0.00011; gnomAD exomes 0.00009.
gnomAD v4.1: 87 of 939,662 alleles (0.0093%); highest among the groups gnomAD compares: Middle Eastern, 0.042%; 1 homozygote.

Submission:

Labcorp Genetics (formerly Invitae), Labcorp
Classification: Uncertain significance. Last evaluated: 2023-07-17. Review status: criteria provided, single submitter. Criteria: Invitae Variant Classification Sherloc (09022015). Collection method: clinical testing. Allele origin: germline.
Comment: This variant has not been reported in the literature in individuals affected with OVOL2-related conditions. This variant is present in population databases (rs775139042, gnomAD 0.02%). This variant occurs in a non-coding region of the OVOL2 gene. It does not change the encoded amino acid sequence of the OVOL2 protein. Experimental studies and prediction algorithms are not available or were not evaluated, and the functional significance of this variant is currently unknown. In summary, the available evidence is currently insufficient to determine the role of this variant in disease. Therefore, it has been classified as a Variant of Uncertain Significance.

NC_000020.11:g.18057970C>A

Gene: OVOL2 (ovo like zinc finger 2; minus strand). Cytogenetic location: 20p11.23.
Variant type: single nucleotide variant.
Molecular consequence: intron variant (on NM_001303462.1).
Genome position: GRCh38 VCF-style: chr20-18057970-C-A. GRCh37 (hg19) VCF-style: chr20-18038614-C-A.
Other names: c.-76+1110G>T (NM_001303462.1); c.-297+920G>T (NM_001303461.1).
Identifiers: ClinVar variation 1973061 (VCV001973061.5), dbSNP rs775139042, ClinGen allele CA312295625.